The following is an entry in ClinVar:

NM_014324.6(AMACR):c.602T>G (p.Leu201Trp)

Genes: AMACR (alpha-methylacyl-CoA racemase; minus strand), C1QTNF3-AMACR (C1QTNF3-AMACR readthrough (NMD candidate); minus strand). Cytogenetic location: 5p13.2.
Variant type: single nucleotide variant.
Coding change: c.602T>G on transcript NM_014324.6 (MANE Select); coding-DNA position 602, T replaced by G.
Protein change: p.Leu201Trp; replaces leucine 201 with tryptophan.
Molecular consequence: missense variant. On other transcripts: non-coding transcript variant (1).
Genome position (GRCh38, 1-based): chr5:33,998,778, A>C on the plus strand (T>G on the coding strand, the complement: AMACR is on the minus strand). VCF-style: chr5-33998778-A-C. GRCh37 (hg19) VCF-style: chr5-33998883-A-C.
Other names: c.602T>G, p.Leu201Trp (NM_001167595.2); c.441T>G, p.Ile147Met (NM_203382.3); short protein forms L201W, I147M.
Identifiers: ClinVar variation 1449810 (VCV001449810.8), dbSNP rs2287939, ClinGen allele CA3226158.

ClinVar aggregate classification (germline): Uncertain significance. Review status: criteria provided, multiple submitters, no conflicts (2 of 4 stars). 2 submissions from 2 submitters: Uncertain significance (2). Last evaluated 2024-11-20.

Conditions:
Alpha-methylacyl-CoA racemase deficiency (AMACRD). Also called: AMACR deficiency. Identifiers: Orphanet 79095, MedGen C3280428, MONDO:0013681, OMIM 614307. Disease mechanism: loss of function.

Submissions (2):

Blueprint Genetics
Classification: Uncertain significance. Last evaluated: 2024-11-20. Review status: criteria provided, single submitter. Criteria: ACMG Guidelines, 2015. Collection method: clinical testing. Allele origin: germline.

Labcorp Genetics (formerly Invitae), Labcorp
Classification: Uncertain significance for Alpha-methylacyl-CoA racemase deficiency. Last evaluated: 2024-02-24. Review status: criteria provided, single submitter. Criteria: Invitae Variant Classification Sherloc (09022015). Collection method: clinical testing. Allele origin: germline.
Comment: This sequence change replaces leucine, which is neutral and non-polar, with tryptophan, which is neutral and slightly polar, at codon 201 of the AMACR protein (p.Leu201Trp). This variant is present in population databases (rs2287939, gnomAD 0.004%). This variant has not been reported in the literature in individuals affected with AMACR-related conditions. ClinVar contains an entry for this variant (Variation ID: 1449810). Advanced modeling of protein sequence and biophysical properties (such as structural, functional, and spatial information, amino acid conservation, physicochemical variation, residue mobility, and thermodynamic stability) performed at Invitae indicates that this missense variant is not expected to disrupt AMACR protein function with a negative predictive value of 80%. In summary, the available evidence is currently insufficient to determine the role of this variant in disease. Therefore, it has been classified as a Variant of Uncertain Significance.